The following is an entry in ClinVar:

ClinVar aggregate classification (germline): Uncertain significance (1 of 4 stars; one submission).

gnomAD v4.1: 1 of 1,613,872 alleles (0.000062%); highest among the groups gnomAD compares: East Asian, 0.0022%; no homozygotes.

Submission:

Labcorp Genetics (formerly Invitae), Labcorp
Classification: Uncertain significance. Last evaluated: 2024-10-27. Review status: criteria provided, single submitter. Criteria: Invitae Variant Classification Sherloc (09022015). Collection method: clinical testing. Allele origin: germline.
Comment: This sequence change replaces histidine, which is basic and polar, with tyrosine, which is neutral and polar, at codon 2611 of the ADGRV1 protein (p.His2611Tyr). This variant is not present in population databases (gnomAD no frequency). This variant has not been reported in the literature in individuals affected with ADGRV1-related conditions. Invitae Evidence Modeling of protein sequence and biophysical properties (such as structural, functional, and spatial information, amino acid conservation, physicochemical variation, residue mobility, and thermodynamic stability) indicates that this missense variant is not expected to disrupt ADGRV1 protein function with a negative predictive value of 95%. In summary, the available evidence is currently insufficient to determine the role of this variant in disease. Therefore, it has been classified as a Variant of Uncertain Significance.

NM_032119.4(ADGRV1):c.7831C>T (p.His2611Tyr)

Gene: ADGRV1 (adhesion G protein-coupled receptor V1; plus strand). Cytogenetic location: 5q14.3.
Variant type: single nucleotide variant.
Coding change: c.7831C>T on transcript NM_032119.4 (MANE Select); coding-DNA position 7831, C replaced by T.
Protein change: p.His2611Tyr; replaces histidine 2611 with tyrosine.
Molecular consequence: missense variant. On other transcripts: non-coding transcript variant (1).
Genome position (GRCh38, 1-based): chr5:90,694,587, C>T. VCF-style: chr5-90694587-C-T. GRCh37 (hg19) VCF-style: chr5-89990404-C-T.
Other names: short protein forms H2611Y.
Identifiers: ClinVar variation 3664649 (VCV003664649.2).